The following is an entry in ClinVar:

NM_001242896.3(DEPDC5):c.918C>G (p.Tyr306Ter)

Gene: DEPDC5 (DEP domain containing 5, GATOR1 subcomplex subunit; plus strand). Cytogenetic location: 22q12.2.
Variant type: single nucleotide variant.
Coding change: c.918C>G on transcript NM_001242896.3 (MANE Select); coding-DNA position 918, C replaced by G.
Protein change: p.Tyr306Ter; replaces tyrosine 306 with a stop codon.
Molecular consequence: nonsense. On other transcripts: non-coding transcript variant (5).
Genome position (GRCh38, 1-based): chr22:31,798,628, C>G. VCF-style: chr22-31798628-C-G. GRCh37 (hg19) VCF-style: chr22-32194614-C-G.
Other names: c.918C>G, p.Tyr306Ter (NM_001007188.4, NM_001136029.4, NM_001242897.2 and 7 more transcripts); c.834C>G, p.Tyr278Ter (NM_001369901.1, NM_001369902.1); short protein forms Y306*, Y278*.
Identifiers: ClinVar variation 264726 (VCV000264726.4), dbSNP rs886039256, ClinGen allele CA10588034.

ClinVar aggregate classification (germline): Pathogenic. Review status: criteria provided, single submitter (1 of 4 stars). 2 submissions from 2 submitters: Pathogenic (1). 1 of the submissions does not count toward it. Last evaluated 2025-01-08.

Conditions:
Epilepsy, familial focal, with variable foci 1 (FFEVF1). Also called: DEPDC5-Related Epilepsy. Identifiers: MedGen C4551983, MONDO:0024556, OMIM 604364.

Submissions (2):

Department of Neurology, Zibo Changguo Hospital
Classification: Pathogenic for Epilepsy, familial focal, with variable foci 1. Last evaluated: 2025-01-08. Review status: criteria provided, single submitter. Criteria: ACMG Guidelines, 2015. Collection method: clinical testing. Allele origin: maternal. Inheritance: Autosomal dominant inheritance. Affected: yes.
Comment: PVS1, PS4_Supporting, PM2_Supporting

GeneReviews
No classification provided. Condition: Epilepsy, familial focal, with variable foci 1. Review status: no classification provided. Collection method: literature only. Allele origin: germline. Affected: yes. Not counted in ClinVar's aggregate classification.

Literature cited by the submitters: PubMed 26216793 (cited by GeneReviews); PubMed 27066544 (cited by GeneReviews); NCBI Bookshelf NBK385626 (cited by GeneReviews).